The following is an entry in ClinVar:

NM_001048174.2(MUTYH):c.1088A>G (p.Gln363Arg)

Gene: MUTYH (mutY DNA glycosylase; minus strand). Cytogenetic location: 1p34.1.
Variant type: single nucleotide variant.
Coding change: c.1088A>G on transcript NM_001048174.2 (MANE Select); coding-DNA position 1088, A replaced by G.
Protein change: p.Gln363Arg; replaces glutamine 363 with arginine.
Molecular consequence: missense variant. On other transcripts: non-coding transcript variant (2).
Genome position (GRCh38, 1-based): chr1:45,331,675, T>C on the plus strand (A>G on the coding strand, the complement: MUTYH is on the minus strand). VCF-style: chr1-45331675-T-C. GRCh37 (hg19) VCF-style: chr1-45797347-T-C.
Other names: c.1088A>G, p.Gln363Arg (NM_001048171.2, NM_001048173.2, NM_001293195.2); c.1091A>G, p.Gln364Arg (NM_001048172.2); c.1172A>G, p.Gln391Arg (NM_001128425.2); c.1133A>G, p.Gln378Arg (NM_001293190.2); c.1121A>G, p.Gln374Arg (NM_001293191.2); c.812A>G, p.Gln271Arg (NM_001293192.2, NM_001293196.2); c.743A>G, p.Gln248Arg (NM_001350650.2, NM_001350651.2); c.1163A>G, p.Gln388Arg (NM_012222.3); short protein forms Q391R, Q374R, Q388R, Q248R, Q271R, Q363R, Q378R, Q364R.
Identifiers: ClinVar variation 479994 (VCV000479994.31), dbSNP rs984795084, ClinGen allele CA21836182.

ClinVar aggregate classification (germline): Conflicting classifications of pathogenicity. Review status: criteria provided, conflicting classifications (1 of 4 stars). 8 submissions from 8 submitters: Uncertain significance (7); Likely benign (1). Last evaluated 2025-10-14.

Conditions:
Hereditary cancer-predisposing syndrome. Also called: Hereditary neoplastic syndrome; Hereditary Cancer Syndrome; Neoplastic Syndromes, Hereditary; Tumor predisposition. Identifiers: Orphanet 140162, MedGen C0027672, MeSH D009386, MONDO:0015356.
Familial adenomatous polyposis 2. Also called: MYH-associated polyposis; COLORECTAL ADENOMATOUS POLYPOSIS, AUTOSOMAL RECESSIVE; ADENOMAS, MULTIPLE COLORECTAL, AUTOSOMAL RECESSIVE; MUTYH-related attenuated familial adenomatous polyposis; Adenomas, multiple colorectal; FAP type 2. Identifiers: Orphanet 220460, Orphanet 247798, MedGen C3272841, MONDO:0012041, OMIM 608456.

Allele frequency attached by ClinVar (database versions not stated): gnomAD exomes 0.00001.
gnomAD v4.1: 7 of 1,613,994 alleles (0.00043%); highest among the groups gnomAD compares: Middle Eastern, 0.016%; no homozygotes.

Submissions (8):

Labcorp Genetics (formerly Invitae), Labcorp
Classification: Uncertain significance for Familial adenomatous polyposis 2. Last evaluated: 2025-10-14. Review status: criteria provided, single submitter. Criteria: Invitae Variant Classification Sherloc (09022015). Collection method: clinical testing. Allele origin: germline.
Comment: This sequence change replaces glutamine, which is neutral and polar, with arginine, which is basic and polar, at codon 391 of the MUTYH protein (p.Gln391Arg). This variant is not present in population databases (gnomAD no frequency). This variant has not been reported in the literature in individuals affected with MUTYH-related conditions. This suggests that this variant may not be disease-causing. ClinVar contains an entry for this variant (Variation ID: 479994). An algorithm developed to predict the effect of missense changes on protein structure and function (PolyPhen-2) suggests that this variant is likely to be disruptive. In summary, the available evidence is currently insufficient to determine the role of this variant in disease. Therefore, it has been classified as a Variant of Uncertain Significance.

Ambry Genetics
Classification: Likely benign for Hereditary cancer-predisposing syndrome. Last evaluated: 2025-09-09. Review status: criteria provided, single submitter. Criteria: Ambry Variant Classification Scheme 2023. Collection method: clinical testing. Allele origin: germline.

All of Us Research Program, National Institutes of Health
Classification: Uncertain significance for Familial adenomatous polyposis 2. Last evaluated: 2024-04-16. Review status: criteria provided, single submitter. Criteria: ACMG Guidelines, 2015. Collection method: clinical testing. Allele origin: germline. Inheritance: Autosomal recessive inheritance. Observed: 2 variant alleles, 2 heterozygotes.
Comment: This missense variant replaces glutamine with arginine at codon 391 of the MUTYH protein. Computational prediction suggests that this variant may not impact protein structure and function (internally defined REVEL score threshold <= 0.5, PMID: 27666373). To our knowledge, functional studies have not been reported for this variant. This variant has not been reported in individuals affected with hereditary cancer in the literature. This variant has not been identified in the general population by the Genome Aggregation Database (gnomAD). The available evidence is insufficient to determine the role of this variant in disease conclusively. Therefore, this variant is classified as a Variant of Uncertain Significance.

This study involves interpretation of variants in research participants for the purpose of population health screening. Participant phenotype was not available at the time of variant classification. Additional details can be found in publication PMID: 35346344, PMCID: PMC8962531

St. Jude Molecular Pathology, St. Jude Children's Research Hospital
Classification: Uncertain significance for Familial adenomatous polyposis 2. Last evaluated: 2024-04-13. Review status: criteria provided, single submitter. Criteria: St. Jude Assertion Criteria 2020. Collection method: clinical testing. Allele origin: germline.
Comment: The MUTYH c.1172A>G (p.Gln391Arg) missense change is absent in gnomAD v2.1.1. The in silico tool REVEL is inconclusive about a pathogenic or benign effect of this variant on protein function, and functional studies have not been performed. This variant has not been reported in individuals with MUTYH-associated polyposis. In summary, the evidence currently available is insufficient to determine the clinical significance of this variant. It has therefore been classified as of uncertain significance.

Color Diagnostics, LLC DBA Color Health
Classification: Uncertain significance for Hereditary cancer-predisposing syndrome. Last evaluated: 2024-03-06. Review status: criteria provided, single submitter. Criteria: ACMG Guidelines, 2015. Collection method: clinical testing. Allele origin: germline.
Comment: This variant is located in the MUTYH protein. Computational prediction suggests that this variant may not impact protein structure and function (internally defined REVEL score threshold <= 0.5, PMID: 27666373). To our knowledge, functional studies have not been reported for this variant. This variant has not been reported in individuals affected with MUTYH-related disorders in the literature. This variant has not been identified in the general population by the Genome Aggregation Database (gnomAD). The available evidence is insufficient to determine the role of this variant in disease conclusively. Therefore, this variant is classified as a Variant of Uncertain Significance.

Institute for Biomarker Research, Medical Diagnostic Laboratories, L.L.C.
Classification: Uncertain significance for Hereditary cancer-predisposing syndrome. Last evaluated: 2024-03-05. Review status: criteria provided, single submitter. Criteria: ACMG Guidelines, 2015. Collection method: clinical testing. Allele origin: germline.

Baylor Genetics
Classification: Uncertain significance for Familial adenomatous polyposis 2. Last evaluated: 2024-02-27. Review status: criteria provided, single submitter. Criteria: ACMG Guidelines, 2015. Collection method: clinical testing. Allele origin: unknown.

GeneDx
Classification: Uncertain significance. Last evaluated: 2021-12-07. Review status: criteria provided, single submitter. Criteria: GeneDx Variant Classification Process June 2021. Collection method: clinical testing. Allele origin: germline. Affected: yes.
Comment: Not observed at a significant frequency in large population cohorts (Lek 2016); In silico analysis, which includes protein predictors and evolutionary conservation, supports that this variant does not alter protein structure/function; Has not been previously published as pathogenic or benign to our knowledge; This variant is associated with the following publications: (PMID: 23108399)

Literature cited by the submitters: PubMed 40738107 (cited by Ambry Genetics).